The following is an entry in ClinVar:

ClinVar aggregate classification (germline): Likely pathogenic (0 of 4 stars; one submission).

Conditions:
NF1-related disorder. Also called: NF1-related condition. Identifiers: MedGen CN379171.

Submission:

PreventionGenetics, part of Exact Sciences
Classification: Likely pathogenic for NF1-related condition. Last evaluated: 2024-05-07. Review status: no assertion criteria provided. Collection method: clinical testing. Allele origin: germline.
Comment: The NF1 c.4877_4878delinsCA variant is predicted to result in an in-frame deletion and insertion. To our knowledge, this variant has not been reported in the literature or in a large population database, indicating this variant is rare. An alternate nucleotide change resulting in the same missense variant has been reported in an individual with neurofibromatosis type 1 (referred to as c.4814A>C, p.His1605Pro in Table S6 in Castellanos et al. 2020. PubMed ID: 31573083). This variant is interpreted as likely pathogenic.

NM_001042492.3(NF1):c.4877_4878delinsCA (p.His1626Pro)

Gene: NF1 (neurofibromin 1; plus strand). Cytogenetic location: 17q11.2.
Variant type: Indel.
Coding change: c.4877_4878delinsCA on transcript NM_001042492.3 (MANE Select); coding-DNA positions 4877 to 4878, AT replaced by CA.
Protein change: p.His1626Pro; replaces histidine 1626 with proline.
Molecular consequence: missense variant.
Genome position (GRCh38, 1-based): chr17:31,325,861-31,325,862, AT replaced by CA. VCF-style: chr17-31325861-AT-CA. GRCh37 (hg19) VCF-style: chr17-29652879-AT-CA.
Other names: c.4814_4815delATinsCA, p.His1605Pro (NM_000267.4); c.4877_4878delATinsCA, p.His1626Pro (NM_001042492.2); short protein forms H1605P, H1626P.
Identifiers: ClinVar variation 3345413 (VCV003345413.1).
Genomic context (GRCh38, chr17:31,325,861, plus strand): 5'-TTTTTGTCATTTTCCTTAGGTTCAAAACTGGTCAAATCAATGGTGATTTGCTGATATACC[AT>CA]GTCTTACTGACTTTAAAGCCATATTATGCAAAGCCATATGAAATTGTAGTGGACCTTACC-3'
Protein context (NP_001035957.1, residues 1616-1636): GQINGDLLIY[His1626Pro]VLLTLKPYYA